The following is an entry in ClinVar:

NM_173500.4(TTBK2):c.2278C>T (p.Pro760Ser)

Gene: TTBK2 (tau tubulin kinase 2; minus strand). Cytogenetic location: 15q15.2.
Variant type: single nucleotide variant.
Coding change: c.2278C>T on transcript NM_173500.4 (MANE Select); coding-DNA position 2278, C replaced by T.
Protein change: p.Pro760Ser; replaces proline 760 with serine.
Molecular consequence: missense variant.
Genome position (GRCh38, 1-based): chr15:42,752,968, G>A on the plus strand (C>T on the coding strand, the complement: TTBK2 is on the minus strand). VCF-style: chr15-42752968-G-A. GRCh37 (hg19) VCF-style: chr15-43045166-G-A.
Other names: short protein forms P760S.
Identifiers: ClinVar variation 315987 (VCV000315987.13), dbSNP rs117382379, ClinGen allele CA7516758.

ClinVar aggregate classification (germline): Conflicting classifications of pathogenicity. Review status: criteria provided, conflicting classifications (1 of 4 stars). 3 submissions from 3 submitters: Uncertain significance (1); Likely benign (2). Last evaluated 2025-10-02.

Conditions:
Inborn genetic diseases. Identifiers: MedGen C0950123, MeSH D030342.
Spinocerebellar ataxia type 11 (SCA11). Identifiers: Orphanet 98767, MedGen C1858351, MONDO:0011464, OMIM 604432.

Allele frequency attached by ClinVar (database versions not stated): gnomAD 0.00003 and 0.00005; ExAC 0.00008; TOPMed 0.00008; gnomAD exomes 0.00011; 1000 Genomes Project 0.00040; 1000 Genomes Project 30x 0.00047.
gnomAD v4.1: 42 of 1,614,172 alleles (0.0026%); highest among the groups gnomAD compares: East Asian, 0.089%; no homozygotes.

Submissions (3):

Labcorp Genetics (formerly Invitae), Labcorp
Classification: Likely benign. Last evaluated: 2025-10-02. Review status: criteria provided, single submitter. Criteria: Invitae Variant Classification Sherloc (09022015). Collection method: clinical testing. Allele origin: germline.

Ambry Genetics
Classification: Uncertain significance for Inborn genetic diseases. Last evaluated: 2022-10-04. Review status: criteria provided, single submitter. Criteria: Ambry Variant Classification Scheme 2023. Collection method: clinical testing. Allele origin: germline.

Illumina Laboratory Services, Illumina
Classification: Likely benign for Spinocerebellar ataxia type 11. Last evaluated: 2018-01-13. Review status: criteria provided, single submitter. Criteria: ICSL Variant Classification Criteria 13 December 2019. Collection method: clinical testing. Allele origin: germline.
Comment: This variant was observed in the ICSL laboratory as part of a predisposition screen in an ostensibly healthy population. It had not been previously curated by ICSL or reported in the Human Gene Mutation Database (HGMD: prior to June 1st, 2018), and was therefore a candidate for classification through an automated scoring system. Utilizing variant allele frequency, disease prevalence and penetrance estimates, and inheritance mode, an automated score was calculated to assess if this variant is too frequent to cause the disease. Based on the score and internal cut-off values, a variant classified as likely benign is not then subjected to further curation. The score for this variant resulted in a classification of likely benign for this disease.